The following is an entry in ClinVar:

ClinVar aggregate classification (germline): Uncertain significance (1 of 4 stars; one submission).

Conditions:
Hereditary cancer-predisposing syndrome. Also called: Neoplastic Syndromes, Hereditary; Tumor predisposition; Hereditary Cancer Syndrome; Hereditary neoplastic syndrome. Identifiers: Orphanet 140162, MedGen C0027672, MeSH D009386, MONDO:0015356.

Allele frequency attached by ClinVar (database versions not stated): gnomAD exomes below 0.00001.
gnomAD v4.1: 2 of 1,614,140 alleles (0.00012%); highest among the groups gnomAD compares: South Asian, 0.0011%; no homozygotes.

Submission:

Color Diagnostics, LLC DBA Color Health
Classification: Uncertain significance for Hereditary cancer-predisposing syndrome. Last evaluated: 2023-10-02. Review status: criteria provided, single submitter. Criteria: ACMG Guidelines, 2015. Collection method: clinical testing. Allele origin: germline.
Comment: This missense variant replaces proline with leucine at codon 338 of the BAP1 protein. Computational prediction suggests that this variant may not impact protein structure and function (internally defined REVEL score threshold <= 0.5, PMID: 27666373). To our knowledge, functional studies have not been reported for this variant. This variant has not been reported in individuals affected with BAP1-related disorders in the literature. This variant has not been identified in the general population by the Genome Aggregation Database (gnomAD). The available evidence is insufficient to determine the role of this variant in disease conclusively. Therefore, this variant is classified as a Variant of Uncertain Significance.

NM_004656.4(BAP1):c.1013C>T (p.Pro338Leu)

Gene: BAP1 (BRCA1 associated deubiquitinase 1; minus strand). Cytogenetic location: 3p21.1.
Variant type: single nucleotide variant.
Coding change: c.1013C>T on transcript NM_004656.4 (MANE Select); coding-DNA position 1013, C replaced by T.
Protein change: p.Pro338Leu; replaces proline 338 with leucine.
Molecular consequence: missense variant.
Genome position (GRCh38, 1-based): chr3:52,405,213, G>A on the plus strand (C>T on the coding strand, the complement: BAP1 is on the minus strand). VCF-style: chr3-52405213-G-A. GRCh37 (hg19) VCF-style: chr3-52439229-G-A.
Other names: c.959C>T, p.Pro320Leu (NM_001410772.1); short protein forms P320L, P338L.
Identifiers: ClinVar variation 2774758 (VCV002774758.2), dbSNP rs2153227045, ClinGen allele CA353105953.